The following is an entry in ClinVar:

ClinVar aggregate classification (germline): Uncertain significance (1 of 4 stars; one submission).

Conditions:
2-aminoadipic 2-oxoadipic aciduria (AAKAD). Also called: ALPHA-AMINOADIPIC AND ALPHA-KETOADIPIC ACIDURIA; Aminoadipic aciduria. Identifiers: Orphanet 79154, MedGen C1859817, MONDO:0008774, OMIM 204750.

Submission:

Labcorp Genetics (formerly Invitae), Labcorp
Classification: Uncertain significance for 2-aminoadipic 2-oxoadipic aciduria. Last evaluated: 2022-06-15. Review status: criteria provided, single submitter. Criteria: Invitae Variant Classification Sherloc (09022015). Collection method: clinical testing. Allele origin: germline.
Comment: This variant is not present in population databases (gnomAD no frequency). This sequence change replaces methionine, which is neutral and non-polar, with threonine, which is neutral and polar, at codon 850 of the DHTKD1 protein (p.Met850Thr). This variant has not been reported in the literature in individuals affected with DHTKD1-related conditions. In summary, the available evidence is currently insufficient to determine the role of this variant in disease. Therefore, it has been classified as a Variant of Uncertain Significance. Algorithms developed to predict the effect of missense changes on protein structure and function are either unavailable or do not agree on the potential impact of this missense change (SIFT: "Deleterious"; PolyPhen-2: "Benign"; Align-GVGD: "Class C45").

NM_018706.7(DHTKD1):c.2549T>C (p.Met850Thr)

Gene: DHTKD1 (dehydrogenase E1 and transketolase domain containing 1; plus strand). Cytogenetic location: 10p14.
Variant type: single nucleotide variant.
Coding change: c.2549T>C on transcript NM_018706.7 (MANE Select); coding-DNA position 2549, T replaced by C.
Protein change: p.Met850Thr; replaces methionine 850 with threonine.
Molecular consequence: missense variant.
Genome position (GRCh38, 1-based): chr10:12,118,895, T>C. VCF-style: chr10-12118895-T-C. GRCh37 (hg19) VCF-style: chr10-12160894-T-C.
Other names: short protein forms M850T.
Identifiers: ClinVar variation 1938689 (VCV001938689.5), dbSNP rs2491523398, ClinGen allele CA376016585.